The following is an entry in ClinVar:

NM_000444.6(PHEX):c.468dup (p.Leu157fs)

Gene: PHEX (phosphate regulating endopeptidase X-linked; plus strand). Cytogenetic location: Xp22.11.
Variant type: Duplication.
Coding change: c.468dup on transcript NM_000444.6 (MANE Select); coding-DNA position 468, one base duplicated (G; older notation c.468dupG).
Protein change: p.Leu157fs; shifts the reading frame from leucine 157.
Molecular consequence: frameshift variant.
Genome position (GRCh38, 1-based): chrX:22,077,507, G duplicated. VCF-style (leftmost placement, unchanged base first): chrX-22077506-T-TG. GRCh37 (hg19) VCF-style: chrX-22095624-T-TG.
Other names: c.468dup, p.Leu157fs (NM_001282754.2); short protein forms L157fs.
Identifiers: ClinVar variation 1069144 (VCV001069144.7), dbSNP rs2147020408, ClinGen allele CA2499226565.

ClinVar aggregate classification (germline): Pathogenic (1 of 4 stars; one submission).

Submission:

Labcorp Genetics (formerly Invitae), Labcorp
Classification: Pathogenic. Last evaluated: 2022-08-15. Review status: criteria provided, single submitter. Criteria: Invitae Variant Classification Sherloc (09022015). Collection method: clinical testing. Allele origin: germline.
Comment: This sequence change creates a premature translational stop signal (p.Leu157Alafs*15) in the PHEX gene. It is expected to result in an absent or disrupted protein product. Loss-of-function variants in PHEX are known to be pathogenic (PMID: 9097956, 9106524, 19219621). This variant is not present in population databases (gnomAD no frequency). This variant has not been reported in the literature in individuals affected with PHEX-related conditions. For these reasons, this variant has been classified as Pathogenic. ClinVar contains an entry for this variant (Variation ID: 1069144).

Literature cited by the submitters: PubMed 9097956; PubMed 9106524; PubMed 19219621.